The following is an entry in ClinVar:

NM_002516.4(NOVA2):c.562C>T (p.Gln188Ter)

Gene: NOVA2 (NOVA alternative splicing regulator 2; minus strand). Cytogenetic location: 19q13.32.
Variant type: single nucleotide variant.
Coding change: c.562C>T on transcript NM_002516.4 (MANE Select); coding-DNA position 562, C replaced by T.
Protein change: p.Gln188Ter; replaces glutamine 188 with a stop codon.
Molecular consequence: nonsense.
Genome position (GRCh38, 1-based): chr19:45,940,780, G>A on the plus strand (C>T on the coding strand, the complement: NOVA2 is on the minus strand). VCF-style: chr19-45940780-G-A. GRCh37 (hg19) VCF-style: chr19-46444038-G-A.
Other names: short protein forms Q188*.
Identifiers: ClinVar variation 5040485 (VCV005040485.1).
Genomic context (GRCh38, chr19:45,940,780, plus strand): 5'-TGCTGCTCTGGGGGTCTTCTTGTACCTTCTGCACGATGGCGCTCACGGCCTTGTGCACCT[G>A]CTCGGGCTCGCCGCTGACCGTCACCACGCGCTCCTGCAGGTTGATGCCCTCCGGCTTCTG-3'

ClinVar aggregate classification (germline): Likely pathogenic (1 of 4 stars; one submission).

Submission:

CeGaT Center for Human Genetics Tuebingen
Classification: Likely pathogenic. Last evaluated: 2026-08-01. Review status: criteria provided, single submitter. Criteria: CeGaT Center For Human Genetics Tuebingen Variant Classification Criteria Version 2. Collection method: clinical testing. Allele origin: germline. Affected: yes. Observed: 1 variant allele.
Comment: NOVA2: PVS1:Strong, PM2